The following is an entry in ClinVar:

ClinVar aggregate classification (germline): Uncertain significance (1 of 4 stars; one submission).

gnomAD v4.1: 2 of 1,613,538 alleles (0.00012%); highest among the groups gnomAD compares: Non-Finnish European, 0.00017%; no homozygotes.

Submission:

Women's Health and Genetics/Laboratory Corporation of America, LabCorp
Classification: Uncertain significance. Last evaluated: 2026-01-05. Review status: criteria provided, single submitter. Criteria: LabCorp Variant Classification Summary - May 2015. Collection method: clinical testing. Allele origin: germline.
Comment: Variant summary: SLC12A6 c.2648C>T (p.Thr883Ile) results in a non-conservative amino acid change in the encoded protein sequence. Algorithms developed to predict the effect of missense changes on protein structure and function all suggest that this variant is likely to be disruptive. The variant was absent in 251370 control chromosomes. The available data on variant occurrences in the general population are insufficient to allow any conclusion about variant significance. To our knowledge, no occurrence of c.2648C>T in individuals affected with SLC12A6-related conditions and no experimental evidence demonstrating its impact on protein function have been reported. No submitters have cited clinical-significance assessments for this variant to ClinVar. Based on the evidence outlined above, the variant was classified as uncertain significance.

NM_001365088.1(SLC12A6):c.2648C>T (p.Thr883Ile)

Gene: SLC12A6 (solute carrier family 12 member 6; minus strand). Cytogenetic location: 15q14.
Variant type: single nucleotide variant.
Coding change: c.2648C>T on transcript NM_001365088.1 (MANE Select); coding-DNA position 2648, C replaced by T.
Protein change: p.Thr883Ile; replaces threonine 883 with isoleucine.
Molecular consequence: missense variant.
Genome position (GRCh38, 1-based): chr15:34,238,386, G>A on the plus strand (C>T on the coding strand, the complement: SLC12A6 is on the minus strand). VCF-style: chr15-34238386-G-A. GRCh37 (hg19) VCF-style: chr15-34530587-G-A.
Other names: c.2471C>T, p.Thr824Ile (NM_001042494.2, NM_001042495.2); c.2621C>T, p.Thr874Ile (NM_001042496.2); c.2603C>T, p.Thr868Ile (NM_001042497.2); c.2495C>T, p.Thr832Ile (NM_005135.2); c.2648C>T, p.Thr883Ile (NM_133647.2); short protein forms T824I, T832I, T868I, T874I, T883I.
Identifiers: ClinVar variation 4689649 (VCV004689649.1).
Genomic context (GRCh38, chr15:34,238,386, plus strand): 5'-ACATTGCTGGGAAAGAAGGAGATGTTTTTAGCCACCAGCAGTGCAAGATGGGCAGCAGTT[G>A]TCACTCGAACTGTGCCTAGGGAGAAAAAAGAATAAGCAGAGAAGAATCCTTAGGCTTGCC-3'
Protein context (NP_001352017.1, residues 873-893): WKTFIGTVRV[Thr883Ile]TAAHLALLVA